The following is an entry in ClinVar:

ClinVar aggregate classification (germline): Conflicting classifications of pathogenicity. Review status: criteria provided, conflicting classifications (1 of 4 stars). 19 submissions from 15 submitters: Uncertain significance (9); Benign (2); Likely benign (4). 4 of the submissions do not count toward it. Last evaluated 2026-08-17.

Conditions:
TTN-related disorder. Also called: TTN-related condition; TTN-related disease; TTN-related disorders.
Cardiovascular phenotype. Identifiers: MedGen CN230736.
Dilated cardiomyopathy 1G (CMD1G). Identifiers: Orphanet 154, MedGen C1858763, MONDO:0011400, OMIM 604145.
Autosomal recessive limb-girdle muscular dystrophy type 2J (LGMDR10). Also called: Limb-girdle muscular dystrophy, type 2J; MUSCULAR DYSTROPHY, LIMB-GIRDLE, AUTOSOMAL RECESSIVE 10. Identifiers: Orphanet 140922, MedGen C1837342, MONDO:0012127, OMIM 608807.
Cardiomyopathy (CMYO). Also called: Cardiomyopathies. Identifiers: Orphanet 167848, MedGen C0878544, MONDO:0004994, HP:0001638. Inheritance: Various modes of inheritance.
Tibial muscular dystrophy (TMD). Also called: Udd Distal Myopathy – Tibial Muscular Dystrophy; Tibial muscular dystrophy, tardive; UDD MYOPATHY. Identifiers: Orphanet 609, MedGen C1838244, MONDO:0010870, OMIM 600334.
Early-onset myopathy with fatal cardiomyopathy (CMYO5). Also called: CONGENITAL MYOPATHY 5 WITH CARDIOMYOPATHY; Salih Myopathy. Identifiers: Orphanet 289377, MedGen C2673677, MONDO:0012714, OMIM 611705. Disease mechanism: loss of function.
Myopathy, myofibrillar, 9, with early respiratory failure (MFM9). Also called: EDSTROM MYOPATHY; MYOPATHY, PROXIMAL, WITH EARLY RESPIRATORY MUSCLE INVOLVEMENT; Hereditary myopathy with early respiratory failure; Myopathy, distal, with early respiratory failure, autosomal dominant. Identifiers: Orphanet 178464, Orphanet 34521, MedGen C1863599, MONDO:0011362, OMIM 603689.

Allele frequency attached by ClinVar (database versions not stated): ESP Exome Variant Server 0.00008; TOPMed 0.00014; 1000 Genomes Project 30x 0.00016; gnomAD exomes 0.00016 and 0.00030; gnomAD 0.00017; 1000 Genomes Project 0.00020; ExAC 0.00031.
gnomAD v4.1: 258 of 1,613,260 alleles (0.016%); highest among the groups gnomAD compares: Admixed American, 0.087%; no homozygotes.

Submissions (19):

PreventionGenetics, part of Exact Sciences
Classification: Uncertain significance for TTN-related condition. Last evaluated: 2026-08-17. Review status: criteria provided, single submitter. Criteria: ACMG Guidelines, 2015. Collection method: clinical testing. Allele origin: germline.
Comment: The TTN c.81892G>A variant is predicted to result in the amino acid substitution p.Asp27298Asn. To our knowledge, this variant has not been reported in the literature in individuals with TTN‑related disorders. This variant is reported in 0.12% of alleles in individuals of Latino descent in gnomAD, which may be too common to be a primary cause of disease. Although we suspect this variant may be benign, at this time, the clinical significance of this variant is uncertain due to the absence of conclusive functional and genetic evidence.

Labcorp Genetics (formerly Invitae), Labcorp
Classification: Likely benign for Dilated cardiomyopathy 1G; Autosomal recessive limb-girdle muscular dystrophy type 2J. Last evaluated: 2026-01-26. Review status: criteria provided, single submitter. Criteria: Invitae Variant Classification Sherloc (09022015). Collection method: clinical testing. Allele origin: germline.

Mayo Clinic Laboratories, Mayo Clinic
Classification: Uncertain significance. Last evaluated: 2025-12-05. Review status: criteria provided, single submitter. Criteria: ACMG Guidelines, 2015. Collection method: clinical testing. Allele origin: germline. Observed: 3 variant alleles.

Molecular Diagnostic Laboratory for Inherited Cardiovascular Disease, Montreal Heart Institute
Classification: Likely benign. Last evaluated: 2025-04-09. Review status: criteria provided, single submitter. Criteria: ACMG Guidelines, 2015. Collection method: clinical testing. Allele origin: germline. Affected: no.

CeGaT Center for Human Genetics Tuebingen
Classification: Uncertain significance. Last evaluated: 2019-07-01. Review status: criteria provided, single submitter. Criteria: CeGaT Center For Human Genetics Tuebingen Variant Classification Criteria Version 2. Collection method: clinical testing. Allele origin: germline. Affected: yes. Observed: 1 variant allele.

Ambry Genetics
Classification: Uncertain significance for Cardiovascular phenotype. Last evaluated: 2019-02-11. Review status: criteria provided, single submitter. Criteria: Ambry Variant Classification Scheme 2023. Collection method: clinical testing. Allele origin: germline.
Comment: The p.D18233N variant (also known as c.54697G>A), located in coding exon 153 of the TTN gene, results from a G to A substitution at nucleotide position 54697. The aspartic acid at codon 18233 is replaced by asparagine, an amino acid with highly similar properties. This alteration has been reported (as NM_133378.4: p.D24730N) as a secondary cardiac variant in an exome cohort (Ng D et al. Circ Cardiovasc Genet, 2013 Aug;6:337-46). This amino acid position is highly conserved in available vertebrate species. In addition, this alteration is predicted to be tolerated by in silico analysis. Since supporting evidence is limited at this time, the clinical significance of this alteration remains unclear.

GeneDx
Classification: Likely benign. Last evaluated: 2018-09-10. Review status: criteria provided, single submitter. Criteria: GeneDx Variant Classification Process June 2021. Collection method: clinical testing. Allele origin: germline. Affected: yes.
Comment: This variant is associated with the following publications: (PMID: 23861362)

Illumina Laboratory Services, Illumina
Classification: Benign for Tibial muscular dystrophy. Last evaluated: 2018-01-12. Review status: criteria provided, single submitter. Criteria: ICSL Variant Classification Criteria 13 December 2019. Collection method: clinical testing. Allele origin: germline.
Comment: This variant was observed in the ICSL laboratory as part of a predisposition screen in an ostensibly healthy population. It had not been previously curated by ICSL or reported in the Human Gene Mutation Database (HGMD: prior to June 1st, 2018), and was therefore a candidate for classification through an automated scoring system. Utilizing variant allele frequency, disease prevalence and penetrance estimates, and inheritance mode, an automated score was calculated to assess if this variant is too frequent to cause the disease. Based on the score and internal cut-off values, a variant classified as benign is not then subjected to further curation. The score for this variant resulted in a classification of benign for this disease.

Illumina Laboratory Services, Illumina
Classification: Uncertain significance for Early-onset myopathy with fatal cardiomyopathy. Last evaluated: 2018-01-12. Review status: criteria provided, single submitter. Criteria: ICSL Variant Classification Criteria 13 December 2019. Collection method: clinical testing. Allele origin: germline.

Illumina Laboratory Services, Illumina
Classification: Benign for Myopathy, myofibrillar, 9, with early respiratory failure. Last evaluated: 2018-01-12. Review status: criteria provided, single submitter. Criteria: ICSL Variant Classification Criteria 13 December 2019. Collection method: clinical testing. Allele origin: germline.
Comment: the same text as in the submission from Illumina Laboratory Services, Illumina above.

Illumina Laboratory Services, Illumina
Classification: Uncertain significance for Dilated cardiomyopathy 1G. Last evaluated: 2018-01-12. Review status: criteria provided, single submitter. Criteria: ICSL Variant Classification Criteria 13 December 2019. Collection method: clinical testing. Allele origin: germline.

Illumina Laboratory Services, Illumina
Classification: Uncertain significance for Autosomal recessive limb-girdle muscular dystrophy type 2J. Last evaluated: 2018-01-12. Review status: criteria provided, single submitter. Criteria: ICSL Variant Classification Criteria 13 December 2019. Collection method: clinical testing. Allele origin: germline.

CHEO Genetics Diagnostic Laboratory, Children's Hospital of Eastern Ontario
Classification: Uncertain significance for Cardiomyopathy. Last evaluated: 2017-03-31. Review status: criteria provided, single submitter. Criteria: ACMG Guidelines, 2015. Collection method: clinical testing. Allele origin: germline. Study: Canadian Open Genetics Repository.

Eurofins Ntd Llc (ga)
Classification: Uncertain significance. Last evaluated: 2017-03-28. Review status: criteria provided, single submitter. Criteria: EGL Classification Definitions 2015. Collection method: clinical testing. Allele origin: germline. Observed: 2 variant alleles, 2 heterozygotes.

Biesecker Lab/Clinical Genomics Section, National Institutes of Health
Classification: Likely benign. Last evaluated: 2013-06-24. Review status: criteria provided, single submitter. Criteria: Ng et al. (Circ Cardiovasc Genet. 2013). Collection method: research. Allele origin: unknown. Observed: 2 variant alleles. Study: ClinSeq.
Comment: The study set was not selected for affection status in relation to any cancer. Pathogenicity categories were based on literature curation. See Pubmed ID:23861362 for details.

Medical sequencing

Clinical Genetics, Academic Medical Center
Classification: Likely benign. Review status: no assertion criteria provided. Collection method: clinical testing. Allele origin: germline. Affected: yes. Study: VKGL Data-share Consensus. Not counted in ClinVar's aggregate classification.

Diagnostic Laboratory, Department of Genetics, University Medical Center Groningen
Classification: Likely benign. Review status: no assertion criteria provided. Collection method: clinical testing. Allele origin: germline. Affected: yes. Study: VKGL Data-share Consensus. Not counted in ClinVar's aggregate classification.

Genome Diagnostics Laboratory, University Medical Center Utrecht
Classification: Likely benign. Review status: no assertion criteria provided. Collection method: clinical testing. Allele origin: germline. Affected: yes. Study: VKGL Data-share Consensus. Not counted in ClinVar's aggregate classification.

Joint Genome Diagnostic Labs from Nijmegen and Maastricht, Radboudumc and MUMC+
Classification: Likely benign. Review status: no assertion criteria provided. Collection method: clinical testing. Allele origin: germline. Affected: yes. Study: VKGL Data-share Consensus. Not counted in ClinVar's aggregate classification.

Literature cited by the submitters: PubMed 23861362 (cited by Ambry Genetics).

NM_001267550.2(TTN):c.81892G>A (p.Asp27298Asn)

Genes: TTN (titin; minus strand), TTN-AS1 (TTN antisense RNA 1; plus strand). Cytogenetic location: 2q31.2.
Variant type: single nucleotide variant.
Coding change: c.81892G>A on transcript NM_001267550.2 (MANE Select); coding-DNA position 81892, G replaced by A.
Protein change: p.Asp27298Asn; replaces aspartic acid 27298 with asparagine.
Molecular consequence: missense variant.
Genome position (GRCh38, 1-based): chr2:178,564,240, C>T on the plus strand (G>A on the coding strand, the complement: TTN is on the minus strand). VCF-style: chr2-178564240-C-T. GRCh37 (hg19) VCF-style: chr2-179428967-C-T.
Other names: p.Asp24730Asn; c.76969G>A, p.Asp25657Asn (NM_001256850.1); c.54697G>A, p.Asp18233Asn (NM_003319.4); c.74188G>A, p.Asp24730Asn (NM_133378.4); c.55072G>A, p.Asp18358Asn (NM_133432.3); c.55273G>A, p.Asp18425Asn (NM_133437.4); short protein forms D24730N, D27298N, D25657N, D18233N, D18358N, D18425N.
Identifiers: ClinVar variation 192150 (VCV000192150.70), dbSNP rs200697681, ClinGen allele CA238471.
Genomic context (GRCh38, chr2:178,564,240, plus strand): 5'-CTTCAAGTTCTTTTCCATCTTTTGACCAAACAACATCAGGTATAGGTTTGCCACGGATGT[C>T]GGCTTCAAGAACAAAAGTCTCTCCTGCATGAACAACGATGACATCTTTATATTTTGGATC-3'
Protein context (NP_001254479.2, residues 27288-27308): HAGETFVLEA[Asp27298Asn]IRGKPIPDVV